The following is an entry in ClinVar:

ClinVar aggregate classification (germline): Uncertain significance. Review status: criteria provided, multiple submitters, no conflicts (2 of 4 stars). 2 submissions from 2 submitters: Uncertain significance (2). Last evaluated 2023-01-11.

Conditions:
Inborn genetic diseases. Identifiers: MedGen C0950123, MeSH D030342.
Retinitis pigmentosa 71 (RP71). Identifiers: Orphanet 791, MedGen C4225342, MONDO:0014618, OMIM 616394.
Short-rib thoracic dysplasia 10 with or without polydactyly (SRTD10). Identifiers: Orphanet 474, MedGen C3810175, MONDO:0014284, OMIM 615630.

Allele frequency attached by ClinVar (database versions not stated): TOPMed below 0.00001; ExAC 0.00001; gnomAD 0.00001; ESP Exome Variant Server 0.00008.
gnomAD v4.1: 1 of 1,614,028 alleles (0.000062%); highest among the groups gnomAD compares: African/African-American, 0.0013%; no homozygotes.

Submissions (2):

Ambry Genetics
Classification: Uncertain significance for Inborn genetic diseases. Last evaluated: 2023-01-11. Review status: criteria provided, single submitter. Criteria: Ambry Variant Classification Scheme 2023. Collection method: clinical testing. Allele origin: germline.

Labcorp Genetics (formerly Invitae), Labcorp
Classification: Uncertain significance for Retinitis pigmentosa 71; Short-rib thoracic dysplasia 10 with or without polydactyly. Last evaluated: 2021-04-11. Review status: criteria provided, single submitter. Criteria: Invitae Variant Classification Sherloc (09022015). Collection method: clinical testing. Allele origin: germline.
Comment: In summary, the available evidence is currently insufficient to determine the role of this variant in disease. Therefore, it has been classified as a Variant of Uncertain Significance. Algorithms developed to predict the effect of missense changes on protein structure and function are either unavailable or do not agree on the potential impact of this missense change (SIFT: "Deleterious"; PolyPhen-2: "Probably Damaging"; Align-GVGD: "Class C0"). This variant has not been reported in the literature in individuals with IFT172-related conditions. This variant is present in population databases (rs371612970, ExAC 0.01%). This sequence change replaces leucine with proline at codon 1400 of the IFT172 protein (p.Leu1400Pro). The leucine residue is highly conserved and there is a moderate physicochemical difference between leucine and proline.

NM_015662.3(IFT172):c.4199T>C (p.Leu1400Pro)

Gene: IFT172 (intraflagellar transport 172; minus strand). Cytogenetic location: 2p23.3.
Variant type: single nucleotide variant.
Coding change: c.4199T>C on transcript NM_015662.3 (MANE Select); coding-DNA position 4199, T replaced by C.
Protein change: p.Leu1400Pro; replaces leucine 1400 with proline.
Molecular consequence: missense variant.
Genome position (GRCh38, 1-based): chr2:27,449,524, A>G on the plus strand (T>C on the coding strand, the complement: IFT172 is on the minus strand). VCF-style: chr2-27449524-A-G. GRCh37 (hg19) VCF-style: chr2-27672391-A-G.
Other names: c.4199T>C (NM_015662.1); short protein forms L1400P.
Identifiers: ClinVar variation 1523079 (VCV001523079.9), dbSNP rs371612970, ClinGen allele CA1579690.
Genomic context (GRCh38, chr2:27,449,524, plus strand): 5'-TGCATTCTGCCTCCTGCTAACTCTCCAAGTCTCACCGAGTCCACTTTGCCCTGATTCTTG[A>G]GGAACTCTTTATAATGCTGGTCCACATAGTCTTCATACCTGTGAAGATGTTCAGAGAGCT-3'
Protein context (NP_056477.1, residues 1390-1410): DYVDQHYKEF[Leu1400Pro]KNQGKVDSLV